The following is an entry in ClinVar:

NM_000094.4(COL7A1):c.4150del (p.Asp1384fs)

Gene: COL7A1 (collagen type VII alpha 1 chain; minus strand). Cytogenetic location: 3p21.31.
Variant type: Deletion.
Coding change: c.4150del on transcript NM_000094.4 (MANE Select); coding-DNA position 4150, one base deleted (G; older notation c.4150delG).
Protein change: p.Asp1384fs; shifts the reading frame from aspartic acid 1384.
Molecular consequence: frameshift variant.
Genome position (GRCh38, 1-based): chr3:48,584,345, C deleted on the plus strand (G on the coding strand, the reverse complement: COL7A1 is on the minus strand); the first of 5 consecutive C bases (chr3:48,584,345-48,584,349); deleting any one gives the same sequence. VCF-style (leftmost placement, unchanged base first): chr3-48584344-TC-T. GRCh37 (hg19) VCF-style: chr3-48621777-TC-T.
Other names: short protein forms D1384fs.
Identifiers: ClinVar variation 4747295 (VCV004747295.2).

ClinVar aggregate classification (germline): Pathogenic. Review status: criteria provided, multiple submitters, no conflicts (2 of 4 stars). 2 submissions from 2 submitters: Pathogenic (2). Last evaluated 2025-02-11.

Conditions:
Recessive dystrophic epidermolysis bullosa (RDEB). Also called: Epidermolysis Bullosa Distrophica Autosomal Recessive (RDEB); severe generalized recessive dystrophic epidermolysis bullosa; epidermolysis bullosa dystrophica, autosomal recessive; DYSTROPHIC EPIDERMOLYSIS BULLOSA, AUTOSOMAL RECESSIVE; EPIDERMOLYSIS BULLOSA DYSTROPHICA, HALLOPEAU-SIEMENS TYPE; Hallopeau-Siemens Disease. Identifiers: Orphanet 79408, Orphanet 79409, MedGen C0079474, MONDO:0009179, OMIM 226600.

Submissions (2):

Labcorp Genetics (formerly Invitae), Labcorp
Classification: Pathogenic. Last evaluated: 2025-02-11. Review status: criteria provided, single submitter. Criteria: Invitae Variant Classification Sherloc (09022015). Collection method: clinical testing. Allele origin: germline.
Comment: This sequence change creates a premature translational stop signal (p.Asp1384Thrfs*15) in the COL7A1 gene. It is expected to result in an absent or disrupted protein product. Loss-of-function variants in COL7A1 are known to be pathogenic (PMID: 16971478). This variant is not present in population databases (gnomAD no frequency). This premature translational stop signal has been observed in individual(s) with autosomal recessive epidermolysis bullosa dystrophica (PMID: 16971478). For these reasons, this variant has been classified as Pathogenic.

Myriad Genetics, Inc.
Classification: Pathogenic for Recessive dystrophic epidermolysis bullosa. Last evaluated: 2024-05-03. Review status: criteria provided, single submitter. Criteria: Myriad Autosomal Dominant, Autosomal Recessive and X-Linked Classification Criteria (2023). Collection method: clinical testing. Allele origin: unknown.
Comment: NM_000094.3(COL7A1):c.4150delG(D1384Tfs*15) is expected to be pathogenic in the context of dystrophic epidermolysis bullosa. This variant is predicted to lead to an abnormal or absent protein product due to the creation of a premature termination codon in COL7A1, a gene where loss-of-function variants are known to be pathogenic. Please note: this variant was assessed in the context of healthy population screening.

Literature cited by the submitters: PubMed 16971478 (cited by Labcorp Genetics (formerly Invitae), Labcorp).